The following is an entry in ClinVar:

NM_006949.4(STXBP2):c.275A>T (p.Gln92Leu)

Gene: STXBP2 (syntaxin binding protein 2; plus strand). Cytogenetic location: 19p13.2.
Variant type: single nucleotide variant.
Coding change: c.275A>T on transcript NM_006949.4 (MANE Select); coding-DNA position 275, A replaced by T.
Protein change: p.Gln92Leu; replaces glutamine 92 with leucine.
Molecular consequence: missense variant. On other transcripts: non-coding transcript variant (1).
Genome position (GRCh38, 1-based): chr19:7,640,759, A>T. VCF-style: chr19-7640759-A-T. GRCh37 (hg19) VCF-style: chr19-7705645-A-T.
Other names: c.266A>T, p.Gln89Leu (NM_001127396.3); c.308A>T, p.Gln103Leu (NM_001272034.2); short protein forms Q89L, Q92L, Q103L.
Identifiers: ClinVar variation 837031 (VCV000837031.7), dbSNP rs779265777, ClinGen allele CA9143556.

ClinVar aggregate classification (germline): Uncertain significance (1 of 4 stars; one submission).

Conditions:
Familial hemophagocytic lymphohistiocytosis 5. Also called: STXBP2-Related Familial Hemophagocytic Lymphohistiocytosis (STXBP2-fHLH). Identifiers: Orphanet 540, MedGen C2751293, MONDO:0013135, OMIM 613101.

Allele frequency attached by ClinVar (database versions not stated): gnomAD 0.00005 and 0.00004; gnomAD exomes below 0.00001; ExAC 0.00001; TOPMed 0.00002.
gnomAD v4.1: 38 of 1,614,184 alleles (0.0024%); highest among the groups gnomAD compares: Non-Finnish European, 0.0032%; no homozygotes.

Submission:

Labcorp Genetics (formerly Invitae), Labcorp
Classification: Uncertain significance for Familial hemophagocytic lymphohistiocytosis 5. Last evaluated: 2021-08-26. Review status: criteria provided, single submitter. Criteria: Invitae Variant Classification Sherloc (09022015). Collection method: clinical testing. Allele origin: germline.
Comment: This sequence change replaces glutamine with leucine at codon 92 of the STXBP2 protein (p.Gln92Leu). The glutamine residue is weakly conserved and there is a moderate physicochemical difference between glutamine and leucine. This variant is present in population databases (rs779265777, ExAC 0.001%). This variant has not been reported in the literature in individuals affected with STXBP2-related conditions. Algorithms developed to predict the effect of missense changes on protein structure and function (SIFT, PolyPhen-2, Align-GVGD) all suggest that this variant is likely to be tolerated. In summary, the available evidence is currently insufficient to determine the role of this variant in disease. Therefore, it has been classified as a Variant of Uncertain Significance.